The following is an entry in ClinVar:

ClinVar aggregate classification (germline): Uncertain significance (1 of 4 stars; one submission).

Submission:

GeneDx
Classification: Uncertain significance. Last evaluated: 2020-01-13. Review status: criteria provided, single submitter. Criteria: GeneDx Variant Classification Process June 2021. Collection method: clinical testing. Allele origin: germline. Affected: yes.
Comment: Not observed in large population cohorts (Lek et al., 2016); In silico analysis, which includes protein predictors and evolutionary conservation, supports a deleterious effect; Has not been previously published as pathogenic or benign to our knowledge

NM_003097.6(SNRPN):c.293C>A (p.Ala98Asp)

Genes: SNHG14 (small nucleolar RNA host gene 14; plus strand), SNRPN (small nuclear ribonucleoprotein polypeptide N; plus strand), SNURF (SNRPN upstream open reading frame; plus strand). Cytogenetic location: 15q11.2.
Variant type: single nucleotide variant.
Coding change: c.293C>A on transcript NM_003097.6 (MANE Select); coding-DNA position 293, C replaced by A.
Protein change: p.Ala98Asp; replaces alanine 98 with aspartic acid.
Molecular consequence: missense variant. On other transcripts: 3 prime UTR variant (1), non-coding transcript variant (1).
Genome position (GRCh38, 1-based): chr15:24,976,902, C>A. VCF-style: chr15-24976902-C-A. GRCh37 (hg19) VCF-style: chr15-25222049-C-A.
Other names: c.293C>A, p.Ala98Asp (NM_001400692.1, NM_001400693.1, NM_001400694.1 and 99 more transcripts); c.305C>A, p.Ala102Asp (NM_001378251.1, NM_001378252.1, NM_001378253.1 and 2 more transcripts); c.269C>A, p.Ala90Asp (NM_001400767.1, NM_001378256.1, NM_001378257.1); c.29C>A, p.Ala10Asp (NM_001400768.1); c.*481C>A (NM_005678.5); short protein forms A102D, A90D, A98D, A10D.
Identifiers: ClinVar variation 1311932 (VCV001311932.4), dbSNP rs2077125430, ClinGen allele CA391341471.